The following is an entry in ClinVar:

NM_004183.4(BEST1):c.1415del (p.Leu472fs)

Gene: BEST1 (bestrophin 1; plus strand). Cytogenetic location: 11q12.3.
Variant type: Deletion.
Coding change: c.1415del on transcript NM_004183.4 (MANE Select); coding-DNA position 1415, one base deleted (T; older notation c.1415delT).
Protein change: p.Leu472fs; shifts the reading frame from leucine 472.
Molecular consequence: frameshift variant. On other transcripts: non-coding transcript variant (1).
Genome position (GRCh38, 1-based): chr11:61,962,569, T deleted. VCF-style (leftmost placement, unchanged base first): chr11-61962568-CT-C. GRCh37 (hg19) VCF-style: chr11-61730040-CT-C.
Other names: c.1235delT, p.Leu412Profs (NM_001139443.3); c.1154del, p.Leu385fs (NM_001300786.2); c.1235del, p.Leu412fs (NM_001300787.2); c.1097delT, p.Leu366Profs (NM_001363591.3); c.*310delT (NM_001363592.2); c.443delT, p.Leu148Profs (NM_001363593.3); short protein forms L366fs, L148fs, L385fs, L412fs, L472fs.
Identifiers: ClinVar variation 632163 (VCV000632163.15), dbSNP rs752125512, ClinGen allele CA6041056.

ClinVar aggregate classification (germline): Pathogenic/Likely pathogenic. Review status: criteria provided, multiple submitters, no conflicts (2 of 4 stars). 5 submissions from 5 submitters: Pathogenic (3); Likely pathogenic (1). 1 of the submissions does not count toward it. Last evaluated 2025-03-17.

Conditions:
BEST1-related disorder. Also called: BEST1-related disorders; BEST1-related condition. Identifiers: MedGen CN239200.
Vitelliform macular dystrophy 2. Also called: Best vitelliform macular dystrophy, multifocal; Best Vitelliform Macular Dystrophy (BVMD); MACULAR DEGENERATION, POLYMORPHIC VITELLINE; VITELLIFORM MACULAR DYSTROPHY, EARLY-ONSET; VITELLIFORM MACULAR DYSTROPHY, JUVENILE-ONSET; Best Macular Dystrophy. Identifiers: Orphanet 1243, MedGen C2745945, MONDO:0007931, OMIM 153700.
Autosomal recessive bestrophinopathy. Also called: Autosomal Recessive Bestrophinopathy (ARB). Identifiers: Orphanet 139455, MedGen C3888198, MONDO:0012733, OMIM 611809.
Autosomal dominant vitreoretinochoroidopathy. Also called: VITREORETINOCHOROIDOPATHY, AUTOSOMAL DOMINANT, WITH NANOPHTHALMOS; Autosomal Dominant Vitreoretinochoroidopathy (ADVIRC); VITREORETINOCHOROIDOPATHY WITH MICROCORNEA, GLAUCOMA, AND CATARACT. Identifiers: Orphanet 263347, Orphanet 3086, MedGen C3888099, MONDO:0008662, OMIM 193220.
Retinitis pigmentosa 50 (RP50). Also called: Retinitis pigmentosa, concentric. Identifiers: Orphanet 791, MedGen C2750789, MONDO:0013175, OMIM 613194.

Allele frequency attached by ClinVar (database versions not stated): gnomAD exomes 0.00002 and 0.00006; ExAC 0.00004; TOPMed 0.00004; gnomAD 0.00005 and 0.00006.

Submissions (5):

Labcorp Genetics (formerly Invitae), Labcorp
Classification: Pathogenic. Last evaluated: 2025-03-17. Review status: criteria provided, single submitter. Criteria: Invitae Variant Classification Sherloc (09022015). Collection method: clinical testing. Allele origin: germline.
Comment: This sequence change creates a premature translational stop signal (p.Leu472Profs*10) in the BEST1 gene. It is expected to result in an absent or disrupted protein product. Loss-of-function variants in BEST1 are known to be pathogenic (PMID: 21825197). This variant is present in population databases (rs752125512, gnomAD 0.1%). This premature translational stop signal has been observed in individual(s) with autosomal recessive Best vitelliform macular dystrophy (PMID: 21467170). It has also been observed to segregate with disease in related individuals. ClinVar contains an entry for this variant (Variation ID: 632163). For these reasons, this variant has been classified as Pathogenic.

Department of Pathology and Laboratory Medicine, Sinai Health System
Classification: Pathogenic for Vitelliform macular dystrophy 2; Autosomal dominant vitreoretinochoroidopathy; Retinitis pigmentosa 50; Autosomal recessive bestrophinopathy. Last evaluated: 2022-06-20. Review status: criteria provided, single submitter. Criteria: ACMG Guidelines, 2015. Collection method: research. Allele origin: germline.

Blueprint Genetics
Classification: Pathogenic for BEST1-related disorders. Last evaluated: 2021-03-18. Review status: criteria provided, single submitter. Criteria: ACMG Guidelines, 2015. Collection method: clinical testing. Allele origin: germline. Affected: yes. Observed: 2 variant alleles.

Illumina Laboratory Services, Illumina
Classification: Likely pathogenic for Vitelliform macular dystrophy 2. Last evaluated: 2018-10-18. Review status: criteria provided, single submitter. Criteria: ICSL Variant Classification Criteria 09 May 2019. Collection method: clinical testing. Allele origin: germline.
Comment: The BEST1 c.1415delT (p.Leu472ProfsTer10) variant results in a frameshift that is predicted to result in a premature termination of the protein. The p.Leu472ProfsTer10 variant has been reported in one study in which it was identified in a homozygous state in two siblings with autosomal recessive Best disease (Bitner et al. 2011). Segregation analysis revealed that both parents, two grandmothers, and three uncles were heterozygous for the variant but were unaffected, consistent with autosomal recessive inheritance. The index case was also homozygous for four silent variants previously described as non-pathogenic. Both carrier parents were heterozygous for the same four silent variants, which were shown to be in cis with the p.Leu472ProfsTer10 variant. The p.Leu472ProfsTer10 variant was reported in a heterozygous state in one of 112 ethnically matched controls (Bitner et al. 2011) and is reported at a frequency of 0.001320 in the Ashkenazi Jewish population of the Genome Aggregation Database. Functional studies conducted in MDCK cell monolayers indicated the variant has no effect on protein localization or oligomerization compared with the wild type protein (Johnson et al. 2014). However, based on their analysis of 28 BEST1 mutants, Johnson et al. conclude that Best vitelliform macular dystrophy is not associated with oligomeric defects and that mislocalization is not sufficient to produce disease. Based on the evidence, the p.Leu472ProfsTer10 variant is classified as likely pathogenic for Best vitelliform macular dystrophy. This variant was observed by ICSL as part of a predisposition screen in an ostensibly healthy population.

Sharon lab, Hadassah-Hebrew University Medical Center
Classification: Pathogenic for Best disease. Last evaluated: 2019-06-23. Review status: no assertion criteria provided. Collection method: research. Allele origin: inherited. Affected: yes. Not counted in ClinVar's aggregate classification.

Literature cited by the submitters: PubMed 21825197 (cited by Labcorp Genetics (formerly Invitae), Labcorp); PubMed 21467170 (cited by Labcorp Genetics (formerly Invitae), Labcorp and Illumina Laboratory Services, Illumina); PubMed 24560797 (cited by Illumina Laboratory Services, Illumina).